The following is an entry in ClinVar:

ClinVar aggregate classification (germline): Benign/Likely benign. Review status: criteria provided, multiple submitters, no conflicts (2 of 4 stars). 2 submissions from 2 submitters: Benign (1); Likely benign (1). Last evaluated 2025-07-19.

Conditions:
MYH7B-related disorder. Also called: MYH7B-related condition.

Allele frequency attached by ClinVar (database versions not stated): ESP Exome Variant Server 0.00039; 1000 Genomes Project 30x 0.00062; ExAC 0.00073; 1000 Genomes Project 0.00080.
gnomAD v4.1: 292 of 1,596,088 alleles (0.018%); highest among the groups gnomAD compares: African/African-American, 0.26%; 3 homozygotes.

Submissions (2):

Labcorp Genetics (formerly Invitae), Labcorp
Classification: Benign. Last evaluated: 2025-07-19. Review status: criteria provided, single submitter. Criteria: Invitae Variant Classification Sherloc (09022015). Collection method: clinical testing. Allele origin: germline.

PreventionGenetics, part of Exact Sciences
Classification: Likely benign for MYH7B-related condition. Last evaluated: 2024-11-27. Review status: criteria provided, single submitter. Criteria: ACMG Guidelines, 2015. Collection method: clinical testing. Allele origin: germline.
Comment: This variant is classified as likely benign based on ACMG/AMP sequence variant interpretation guidelines (Richards et al. 2015 PMID: 25741868, with internal and published modifications).

NM_020884.7(MYH7B):c.2958G>A (p.Thr986=)

Gene: MYH7B (myosin heavy chain 7B; plus strand). Cytogenetic location: 20q11.22.
Variant type: single nucleotide variant.
Coding change: c.2958G>A on transcript NM_020884.7 (MANE Select); coding-DNA position 2958, G replaced by A.
Protein change: p.Thr986=; no amino-acid change (threonine 986 retained).
Molecular consequence: synonymous variant.
Genome position (GRCh38, 1-based): chr20:34,996,360, G>A. VCF-style: chr20-34996360-G-A. GRCh37 (hg19) VCF-style: chr20-33584163-G-A.
Other names: c.3084G>A (NM_020884.4).
Identifiers: ClinVar variation 2044741 (VCV002044741.5), dbSNP rs201271231, ClinGen allele CA9827556.